The following is an entry in ClinVar:

ClinVar aggregate classification (germline): Likely pathogenic (1 of 4 stars; one submission).

Conditions:
Intellectual developmental disorder, X-linked, syndromic, Billuart type. Also called: MENTAL RETARDATION, X-LINKED 60; X-linked intellectual disability-cerebellar hypoplasia syndrome. Identifiers: Orphanet 137831, MedGen C1845366, MONDO:0010337, OMIM 300486.

Submission:

Laboratorio de Genetica e Diagnostico Molecular, Hospital Israelita Albert Einstein
Classification: Likely pathogenic for Intellectual developmental disorder, X-linked, syndromic, Billuart type. Last evaluated: 2024-06-11. Review status: criteria provided, single submitter. Criteria: ACMG Guidelines, 2015. Collection method: clinical testing. Allele origin: germline. Affected: yes.
Comment: ACMG classification criteria: PVS1 very strong, PM2 supporting

NM_002547.3(OPHN1):c.1609dup (p.Glu537fs)

Gene: OPHN1 (oligophrenin 1; minus strand). Cytogenetic location: Xq12.
Variant type: Duplication.
Coding change: c.1609dup on transcript NM_002547.3 (MANE Select); coding-DNA position 1609, one base duplicated (G; older notation c.1609dupG).
Protein change: p.Glu537fs; shifts the reading frame from glutamic acid 537.
Molecular consequence: frameshift variant.
Genome position (GRCh38, 1-based): chrX:68,096,947, C duplicated on the plus strand (G on the coding strand, the reverse complement: OPHN1 is on the minus strand); the first of 2 consecutive C bases (chrX:68,096,947-68,096,948); duplicating either gives the same sequence. VCF-style (leftmost placement, unchanged base first): chrX-68096946-T-TC. GRCh37 (hg19) VCF-style: chrX-67316788-T-TC.
Other names: short protein forms E537fs.
Identifiers: ClinVar variation 4056694 (VCV004056694.1).